The following is an entry in ClinVar:

NM_002335.4(LRP5):c.1801G>C (p.Gly601Arg)

Gene: LRP5 (LDL receptor related protein 5; plus strand). Cytogenetic location: 11q13.2.
Variant type: single nucleotide variant.
Coding change: c.1801G>C on transcript NM_002335.4 (MANE Select); coding-DNA position 1801, G replaced by C.
Protein change: p.Gly601Arg; replaces glycine 601 with arginine.
Molecular consequence: missense variant. On other transcripts: 5 prime UTR variant (1).
Genome position (GRCh38, 1-based): chr11:68,403,699, G>C. VCF-style: chr11-68403699-G-C. GRCh37 (hg19) VCF-style: chr11-68171167-G-C.
Other names: c.-137G>C (NM_001291902.2); short protein forms G601R.
Identifiers: ClinVar variation 2033523 (VCV002033523.4), dbSNP rs576436176, ClinGen allele CA381614772.

ClinVar aggregate classification (germline): Uncertain significance (1 of 4 stars; one submission).

Submission:

Labcorp Genetics (formerly Invitae), Labcorp
Classification: Uncertain significance. Last evaluated: 2022-09-30. Review status: criteria provided, single submitter. Criteria: Invitae Variant Classification Sherloc (09022015). Collection method: clinical testing. Allele origin: germline.
Comment: This missense change has been observed in individual(s) with familial exudative vitreoretinopathy (PMID: 30452590). This variant is not present in population databases (gnomAD no frequency). This sequence change replaces glycine, which is neutral and non-polar, with arginine, which is basic and polar, at codon 601 of the LRP5 protein (p.Gly601Arg). This variant also falls at the last nucleotide of exon 8, which is part of the consensus splice site for this exon. Algorithms developed to predict the effect of missense changes on protein structure and function (SIFT, PolyPhen-2, Align-GVGD) all suggest that this variant is likely to be disruptive. Variants that disrupt the consensus splice site are a relatively common cause of aberrant splicing (PMID: 17576681, 9536098). Algorithms developed to predict the effect of sequence changes on RNA splicing suggest that this variant may create or strengthen a splice site. In summary, the available evidence is currently insufficient to determine the role of this variant in disease. Therefore, it has been classified as a Variant of Uncertain Significance.

Literature cited by the submitters: PubMed 30452590; PubMed 17576681; PubMed 9536098.